The following is an entry in ClinVar:

NM_000342.4(SLC4A1):c.733G>A (p.Val245Met)

Gene: SLC4A1 (solute carrier family 4 member 1 (Diego blood group); minus strand). Cytogenetic location: 17q21.31.
Variant type: single nucleotide variant.
Coding change: c.733G>A on transcript NM_000342.4 (MANE Select); coding-DNA position 733, G replaced by A.
Protein change: p.Val245Met; replaces valine 245 with methionine.
Molecular consequence: missense variant.
Genome position (GRCh38, 1-based): chr17:44,259,306, C>T on the plus strand (G>A on the coding strand, the complement: SLC4A1 is on the minus strand). VCF-style: chr17-44259306-C-T. GRCh37 (hg19) VCF-style: chr17-42336674-C-T.
Other names: p.Val245Met; short protein forms V245M.
Identifiers: ClinVar variation 854724 (VCV000854724.22), dbSNP rs148170067, ClinGen allele CA8600480.

ClinVar aggregate classification (germline): Conflicting classifications of pathogenicity. Review status: criteria provided, conflicting classifications (1 of 4 stars). 9 submissions from 7 submitters: Uncertain significance (7); Benign (1); Likely benign (1). Last evaluated 2025-11-12.

Conditions:
Autosomal dominant distal renal tubular acidosis (DRTA1). Also called: RTA, CLASSIC TYPE; RTA, DISTAL TYPE, AUTOSOMAL DOMINANT; RTA, GRADIENT TYPE; Renal Tubular Acidosis, Type I; RENAL TUBULAR ACIDOSIS, DISTAL, 1. Identifiers: Orphanet 93608, MedGen CN280572, MONDO:0008368, OMIM 179800.
Renal tubular acidosis, distal, 4, with hemolytic anemia. Also called: Renal Tubular Acidosis, Distal, with Hemolytic Anemia. Identifiers: Orphanet 93610, MedGen C5436235, MONDO:0012700, OMIM 611590.
Hemolytic anemia. Identifiers: MedGen C0002878, MONDO:0003664, HP:0001878.
BLOOD GROUP--DIEGO SYSTEM (DI). Identifiers: MedGen C1292286, OMIM 110500.
BLOOD GROUP, WALDNER (WD). Also called: WALDNER BLOOD GROUP ANTIGEN. Identifiers: MedGen C1862191, OMIM 112010.
BLOOD GROUP--FROESE (FR). Also called: FROESE BLOOD GROUP ANTIGEN. Identifiers: MedGen C1832168, OMIM 601551.
BLOOD GROUP--WRIGHT ANTIGEN (WR). Identifiers: MedGen C1862190, OMIM 112050.
BLOOD GROUP--SWANN SYSTEM (SW). Also called: SWANN BLOOD GROUP. Identifiers: MedGen C1832169, OMIM 601550.
Southeast Asian ovalocytosis. Also called: Elliptocytosis 4; HE, STOMATOCYTIC; Stomatocytic elliptocytosis, hereditary; Ovalocytosis, Malaysian-Melanesian-Filipino type. Identifiers: Orphanet 98868, MedGen C1862322, MONDO:0008165, OMIM 166900.
Malaria, susceptibility to. Identifiers: Orphanet 673, MedGen C1970028, MONDO:0021024, OMIM 611162.
Hereditary spherocytosis type 4. Also called: SLC4A1-Related Spherocytosis. Identifiers: Orphanet 822, MedGen C2675212, MONDO:0012981, OMIM 612653.
Cryohydrocytosis. Also called: Hereditary cryohydrocytosis with normal stomatin; STOMATOCYTOSIS, COLD-SENSITIVE; CRYOHYDROCYTOSIS DUE TO BAND 3 HEMEL; CRYOHYDROCYTOSIS DUE TO BAND 3 HURSTPIERPOINT; CRYOHYDROCYTOSIS DUE TO BAND 3 BLACKBURN. Identifiers: Orphanet 398088, MedGen C1861453, MONDO:0008494, OMIM 185020.

Allele frequency attached by ClinVar (database versions not stated): 1000 Genomes Project 0.00040; ESP Exome Variant Server 0.00054; TOPMed 0.00059; ExAC 0.00037; 1000 Genomes Project 30x 0.00047.
gnomAD v4.1: 1,780 of 1,613,898 alleles (0.11%); highest among the groups gnomAD compares: Non-Finnish European, 0.14%; no homozygotes.

Submissions (9):

Labcorp Genetics (formerly Invitae), Labcorp
Classification: Likely benign. Last evaluated: 2025-11-12. Review status: criteria provided, single submitter. Criteria: Invitae Variant Classification Sherloc (09022015). Collection method: clinical testing. Allele origin: germline.

Rare Kidney Stone Consortium and the Mayo Clinic Hyperoxaluria Center, Mayo Clinic
Classification: Uncertain significance for Renal tubular acidosis, distal, 4, with hemolytic anemia; Autosomal dominant distal renal tubular acidosis. Last evaluated: 2025-10-03. Review status: criteria provided, single submitter. Criteria: ACMG Guidelines, 2015. Collection method: research. Allele origin: germline. Observed: 1 variant allele.
Comment: ACMG:PM1, PM2, PP3

ARUP Laboratories, Molecular Genetics and Genomics, ARUP Laboratories
Classification: Uncertain significance. Last evaluated: 2024-12-24. Review status: criteria provided, single submitter. Criteria: ARUP Molecular Germline Variant Investigation Process 2024. Collection method: clinical testing. Allele origin: germline.
Comment: The SLC4A1 c.733G>A; p.Val245Met variant (rs148170067; ClinVar Variation ID: 854724) has been reported in the literature in one patient with suspected hereditary spherocytosis, though the patient in question also harbored a pathogenic variant in ANK1 (Glenthoj 2021). It has also been reported in a compound heterozygous state, with p.Arg589Cys, in an individual affected with distal renal tubular acidosis (DRTA) (Gomez 2018). This variant is found in the non-Finnish European population with an allele frequency of 0.08% (105/127,972 alleles) in the Genome Aggregation Database. Computational analyses are uncertain whether this variant is neutral or deleterious (REVEL: 0.627). Due to limited information, the clinical significance of this variant is uncertain at this time. References: Glenthoj A et al. Facilitating EMA binding test performance using fluorescent beads combined with next-generation sequencing. EJHaem. 2021 Sep 9;2(4):716-728. PMID: 35845192 Gomez J et al. Primary distal renal tubular acidosis: novel findings in patients studied by next-generation sequencing. Pediatr Res. 2016 Mar;79(3):496-501. PMID: 26571219.

Revvity Omics, Revvity
Classification: Uncertain significance. Last evaluated: 2024-07-11. Review status: criteria provided, single submitter. Criteria: ACMG Guidelines, 2015. Collection method: clinical testing. Allele origin: germline.

Fulgent Genetics
Classification: Uncertain significance for BLOOD GROUP--DIEGO SYSTEM; BLOOD GROUP, WALDNER; BLOOD GROUP--WRIGHT ANTIGEN; Southeast Asian ovalocytosis; Autosomal dominant distal renal tubular acidosis; Cryohydrocytosis; BLOOD GROUP--SWANN SYSTEM; BLOOD GROUP--FROESE; Malaria, susceptibility to; Renal tubular acidosis, distal, 4, with hemolytic anemia; Hereditary spherocytosis type 4. Last evaluated: 2024-04-23. Review status: criteria provided, single submitter. Criteria: ACMG Guidelines, 2015. Collection method: clinical testing. Allele origin: germline.

Mayo Clinic Laboratories, Mayo Clinic
Classification: Uncertain significance. Last evaluated: 2022-09-27. Review status: criteria provided, single submitter. Criteria: ACMG Guidelines, 2015. Collection method: clinical testing. Allele origin: germline. Observed: 2 variant alleles.

Illumina Laboratory Services, Illumina
Classification: Uncertain significance for Hereditary spherocytosis type 4. Last evaluated: 2017-04-27. Review status: criteria provided, single submitter. Criteria: ICSL Variant Classification Criteria 13 December 2019. Collection method: clinical testing. Allele origin: germline.
Comment: This variant was observed as part of a predisposition screen in an ostensibly healthy population. A literature search was performed for the gene, cDNA change, and amino acid change (where applicable). Publications were found based on this search. However, the evidence from the literature, in combination with allele frequency data from public databases where available, was not sufficient to rule this variant in or out of causing disease. Therefore, this variant is classified as a variant of unknown significance.

Illumina Laboratory Services, Illumina
Classification: Uncertain significance for Hemolytic anemia. Last evaluated: 2017-04-27. Review status: criteria provided, single submitter. Criteria: ICSL Variant Classification Criteria 13 December 2019. Collection method: clinical testing. Allele origin: germline.
Comment: the same text as in the submission from Illumina Laboratory Services, Illumina above.

Illumina Laboratory Services, Illumina
Classification: Benign for Autosomal dominant distal renal tubular acidosis. Last evaluated: 2017-04-27. Review status: criteria provided, single submitter. Criteria: ICSL Variant Classification Criteria 13 December 2019. Collection method: clinical testing. Allele origin: germline.
Comment: This variant was observed as part of a predisposition screen in an ostensibly healthy population. A literature search was performed for the gene, cDNA change, and amino acid change (where applicable). Publications were found based on this search. The evidence from the literature, in combination with allele frequency data from public databases where available, was sufficient to rule this variant out of causing disease. Therefore, this variant is classified as benign.

Literature cited by the submitters: PubMed 40794449 (cited by Rare Kidney Stone Consortium and the Mayo Clinic Hyperoxaluria Center, Mayo Clinic); PubMed 25111073 (cited by Mayo Clinic Laboratories, Mayo Clinic and Illumina Laboratory Services, Illumina); PubMed 26571219 (cited by Mayo Clinic Laboratories, Mayo Clinic and Illumina Laboratory Services, Illumina); PubMed 29725771 (cited by Mayo Clinic Laboratories, Mayo Clinic); PubMed 32926342 (cited by Mayo Clinic Laboratories, Mayo Clinic); PubMed 35845192 (cited by Mayo Clinic Laboratories, Mayo Clinic); PubMed 37353797 (cited by Mayo Clinic Laboratories, Mayo Clinic).